The following is an entry in ClinVar:

NM_017780.4(CHD7):c.8930A>G (p.Gln2977Arg)

Gene: CHD7 (chromodomain helicase DNA binding protein 7; plus strand). Cytogenetic location: 8q12.2.
Variant type: single nucleotide variant.
Coding change: c.8930A>G on transcript NM_017780.4 (MANE Select); coding-DNA position 8930, A replaced by G.
Protein change: p.Gln2977Arg; replaces glutamine 2977 with arginine.
Molecular consequence: missense variant.
Genome position (GRCh38, 1-based): chr8:60,865,869, A>G. VCF-style: chr8-60865869-A-G. GRCh37 (hg19) VCF-style: chr8-61778428-A-G.
Other names: c.2783A>G, p.Gln928Arg (NM_001316690.1); short protein forms Q2977R, Q928R.
Identifiers: ClinVar variation 4535145 (VCV004535145.6).
Genomic context (GRCh38, chr8:60,865,869, plus strand): 5'-ATGCCGAGGAGAGCCTGGATAAGACTGCAGAGTCCTCCCTCTTAGAAGACGAAATAGCAC[A>G]GGGTGAAGAGCTAGACTCACTTGATGGGGGGGATGAAATAGAAAACAATGAAAATGATGA-3'
Protein context (NP_060250.2, residues 2967-2987): ESSLLEDEIA[Gln2977Arg]GEELDSLDGG

ClinVar aggregate classification (germline): Likely benign (1 of 4 stars; one submission).

gnomAD v4.1: 1 of 1,612,220 alleles (0.000062%); highest among the groups gnomAD compares: Non-Finnish European, 0.000085%; no homozygotes.

Submission:

CeGaT Center for Human Genetics Tuebingen
Classification: Likely benign. Last evaluated: 2025-11-01. Review status: criteria provided, single submitter. Criteria: CeGaT Center For Human Genetics Tuebingen Variant Classification Criteria Version 2. Collection method: clinical testing. Allele origin: germline. Affected: yes. Observed: 1 variant allele.
Comment: CHD7: BP4